The following is an entry in ClinVar:

NM_003002.4(SDHD):c.37G>A (p.Ala13Thr)

Genes: SDHD (succinate dehydrogenase complex subunit D; plus strand), LOC126861339 (BRD4-independent group 4 enhancer GRCh37_chr11:111957035-111958234; plus strand). Cytogenetic location: 11q23.1.
Variant type: single nucleotide variant.
Coding change: c.37G>A on transcript NM_003002.4 (MANE Select); coding-DNA position 37, G replaced by A.
Protein change: p.Ala13Thr; replaces alanine 13 with threonine.
Molecular consequence: missense variant. On other transcripts: non-coding transcript variant (1).
Genome position (GRCh38, 1-based): chr11:112,086,944, G>A. VCF-style: chr11-112086944-G-A. GRCh37 (hg19) VCF-style: chr11-111957668-G-A.
Other names: c.37G>A (NM_003002.2); c.37G>A, p.Ala13Thr (NM_001276503.2, NM_001276504.2, NM_001276506.2); short protein forms A13T.
Identifiers: ClinVar variation 533785 (VCV000533785.7), dbSNP rs940936212, ClinGen allele CA382616718.
Genomic context (GRCh38, chr11:112,086,944, plus strand): 5'-TGACCTTGAGCCCTCAGGAACGAGATGGCGGTTCTCTGGAGGCTGAGTGCCGTTTGCGGT[G>A]CCCTAGGAGGCCGAGGTGAGGGGTCTTCCCACCCTGAGGTGCTTAGCGTAGCCTCCAGCC-3'
Protein context (NP_002993.1, residues 3-23): VLWRLSAVCG[Ala13Thr]LGGRALLLRT

ClinVar aggregate classification (germline): Uncertain significance. Review status: criteria provided, multiple submitters, no conflicts (2 of 4 stars). 2 submissions from 2 submitters: Uncertain significance (2). Last evaluated 2026-03-28.

Conditions:
Hereditary cancer-predisposing syndrome. Also called: Tumor predisposition; Hereditary neoplastic syndrome; Neoplastic Syndromes, Hereditary; Hereditary Cancer Syndrome. Identifiers: Orphanet 140162, MedGen C0027672, MeSH D009386, MONDO:0015356.
Pheochromocytoma. Also called: MAX-Related Hereditary Paraganglioma-Pheochromocytoma Syndrome. Identifiers: Orphanet 29072, MedGen C0031511, MONDO:0008233, OMIM 171300, HP:0002666.
Carney-Stratakis syndrome. Also called: PARAGANGLIOMA AND GASTROINTESTINAL STROMAL TUMOR. Identifiers: Orphanet 97286, MedGen C1847319, MONDO:0011740, OMIM 606864.
Cowden syndrome 3 (CWS3). Identifiers: Orphanet 201, MedGen CN166604, MONDO:0014045.
Paragangliomas with sensorineural hearing loss. Identifiers: MedGen C1868633.

Submissions (2):

Ambry Genetics
Classification: Uncertain significance for Hereditary cancer-predisposing syndrome. Last evaluated: 2026-03-28. Review status: criteria provided, single submitter. Criteria: Ambry Variant Classification Scheme 2023. Collection method: clinical testing. Allele origin: germline.
Comment: The p.A13T variant (also known as c.37G>A), located in coding exon 1 of the SDHD gene, results from a G to A substitution at nucleotide position 37. The alanine at codon 13 is replaced by threonine, an amino acid with similar properties. This amino acid position is conserved. In addition, the in silico prediction for this alteration is inconclusive. Based on the available evidence, the clinical significance of this variant remains unclear.

Labcorp Genetics (formerly Invitae), Labcorp
Classification: Uncertain significance for Carney-Stratakis syndrome; Paragangliomas with sensorineural hearing loss; Pheochromocytoma; Cowden syndrome 3. Last evaluated: 2024-10-24. Review status: criteria provided, single submitter. Criteria: Invitae Variant Classification Sherloc (09022015). Collection method: clinical testing. Allele origin: germline.
Comment: This sequence change replaces alanine, which is neutral and non-polar, with threonine, which is neutral and polar, at codon 13 of the SDHD protein (p.Ala13Thr). This variant is not present in population databases (gnomAD no frequency). This variant has not been reported in the literature in individuals affected with SDHD-related conditions. ClinVar contains an entry for this variant (Variation ID: 533785). Invitae Evidence Modeling of protein sequence and biophysical properties (such as structural, functional, and spatial information, amino acid conservation, physicochemical variation, residue mobility, and thermodynamic stability) indicates that this missense variant is not expected to disrupt SDHD protein function with a negative predictive value of 95%. In summary, the available evidence is currently insufficient to determine the role of this variant in disease. Therefore, it has been classified as a Variant of Uncertain Significance.